The following is an entry in ClinVar:

NM_005585.5(SMAD6):c.268C>T (p.Pro90Ser)

Gene: SMAD6 (SMAD family member 6; plus strand). Cytogenetic location: 15q22.31.
Variant type: single nucleotide variant.
Coding change: c.268C>T on transcript NM_005585.5 (MANE Select); coding-DNA position 268, C replaced by T.
Protein change: p.Pro90Ser; replaces proline 90 with serine.
Molecular consequence: missense variant. On other transcripts: non-coding transcript variant (1).
Genome position (GRCh38, 1-based): chr15:66,703,526, C>T. VCF-style: chr15-66703526-C-T. GRCh37 (hg19) VCF-style: chr15-66995864-C-T.
Other names: c.268C>T (NM_005585.4); short protein forms P90S.
Identifiers: ClinVar variation 2181142 (VCV002181142.7), dbSNP rs1217031146, ClinGen allele CA392949112.

ClinVar aggregate classification (germline): Uncertain significance. Review status: criteria provided, multiple submitters, no conflicts (2 of 4 stars). 2 submissions from 2 submitters: Uncertain significance (2). Last evaluated 2025-09-23.

Conditions:
Inborn genetic diseases. Identifiers: MedGen C0950123, MeSH D030342.
Aortic valve disease 2 (AOVD2). Identifiers: MedGen C3542024, MONDO:0013902, OMIM 614823.

Allele frequency attached by ClinVar (database versions not stated): TOPMed below 0.00001.

Submissions (2):

Labcorp Genetics (formerly Invitae), Labcorp
Classification: Uncertain significance for Aortic valve disease 2. Last evaluated: 2025-09-23. Review status: criteria provided, single submitter. Criteria: Invitae Variant Classification Sherloc (09022015). Collection method: clinical testing. Allele origin: germline.
Comment: This sequence change replaces proline, which is neutral and non-polar, with serine, which is neutral and polar, at codon 90 of the SMAD6 protein (p.Pro90Ser). This variant is not present in population databases (gnomAD no frequency). This variant has not been reported in the literature in individuals affected with SMAD6-related conditions. ClinVar contains an entry for this variant (Variation ID: 2181142). An algorithm developed to predict the effect of missense changes on protein structure and function (PolyPhen-2) suggests that this variant is likely to be tolerated. In summary, the available evidence is currently insufficient to determine the role of this variant in disease. Therefore, it has been classified as a Variant of Uncertain Significance.

Ambry Genetics
Classification: Uncertain significance for Inborn genetic diseases. Last evaluated: 2025-05-19. Review status: criteria provided, single submitter. Criteria: Ambry Variant Classification Scheme 2023. Collection method: clinical testing. Allele origin: germline.